The following is an entry in ClinVar:

NM_000264.5(PTCH1):c.4106C>T (p.Thr1369Ile)

Gene: PTCH1 (patched 1; minus strand). Cytogenetic location: 9q22.32.
Variant type: single nucleotide variant.
Coding change: c.4106C>T on transcript NM_000264.5 (MANE Select); coding-DNA position 4106, C replaced by T.
Protein change: p.Thr1369Ile; replaces threonine 1369 with isoleucine.
Molecular consequence: missense variant. On other transcripts: non-coding transcript variant (1).
Genome position (GRCh38, 1-based): chr9:95,447,150, G>A on the plus strand (C>T on the coding strand, the complement: PTCH1 is on the minus strand). VCF-style: chr9-95447150-G-A. GRCh37 (hg19) VCF-style: chr9-98209432-G-A.
Other names: c.3908C>T, p.Thr1303Ile (NM_001083602.3); c.4103C>T, p.Thr1368Ile (NM_001083603.3); c.3653C>T, p.Thr1218Ile (NM_001083604.3, NM_001083605.3, NM_001083606.3 and 1 more transcripts); c.3950C>T, p.Thr1317Ile (NM_001354918.2); short protein forms T1303I, T1218I, T1317I, T1369I, T1368I.
Identifiers: ClinVar variation 946111 (VCV000946111.11), dbSNP rs762925808, ClinGen allele CA374110302.

ClinVar aggregate classification (germline): Uncertain significance. Review status: criteria provided, multiple submitters, no conflicts (2 of 4 stars). 2 submissions from 2 submitters: Uncertain significance (2). Last evaluated 2026-09-03.

Conditions:
Hereditary cancer-predisposing syndrome. Also called: Neoplastic Syndromes, Hereditary; Hereditary Cancer Syndrome; Tumor predisposition; Hereditary neoplastic syndrome. Identifiers: Orphanet 140162, MedGen C0027672, MeSH D009386, MONDO:0015356.
Gorlin syndrome. Also called: Nevoid Basal Cell Carcinoma Syndrome; Basal cell nevus syndrome. Identifiers: Orphanet 377, MedGen C0004779, MONDO:0007187.

gnomAD v4.1: 1 of 1,613,290 alleles (0.000062%); highest among the groups gnomAD compares: South Asian, 0.0011%; no homozygotes.

Submissions (2):

Ambry Genetics
Classification: Uncertain significance for Hereditary cancer-predisposing syndrome. Last evaluated: 2026-09-03. Review status: criteria provided, single submitter. Criteria: Ambry Variant Classification Scheme 2023. Collection method: clinical testing. Allele origin: germline.
Comment: The p.T1369I variant (also known as c.4106C>T), located in coding exon 23 of the PTCH1 gene, results from a C to T substitution at nucleotide position 4106. The threonine at codon 1369 is replaced by isoleucine, an amino acid with similar properties. This amino acid position is conserved. In addition, this alteration is predicted to be deleterious by in silico analysis. Based on the available evidence, the clinical significance of this variant remains unclear.

Labcorp Genetics (formerly Invitae), Labcorp
Classification: Uncertain significance for Gorlin syndrome. Last evaluated: 2019-04-08. Review status: criteria provided, single submitter. Criteria: Invitae Variant Classification Sherloc (09022015). Collection method: clinical testing. Allele origin: germline.
Comment: This variant is not present in population databases (ExAC no frequency). This sequence change replaces threonine with isoleucine at codon 1369 of the PTCH1 protein (p.Thr1369Ile). The threonine residue is moderately conserved and there is a moderate physicochemical difference between threonine and isoleucine. This variant has not been reported in the literature in individuals with PTCH1-related conditions. Algorithms developed to predict the effect of missense changes on protein structure and function are either unavailable or do not agree on the potential impact of this missense change (SIFT: "Deleterious"; PolyPhen-2: "Probably Damaging"; Align-GVGD: "Class C0"). In summary, the available evidence is currently insufficient to determine the role of this variant in disease. Therefore, it has been classified as a Variant of Uncertain Significance.